The following is an entry in ClinVar:

NM_000430.4(PAFAH1B1):c.1111C>T (p.Arg371Ter)

Gene: PAFAH1B1 (platelet activating factor acetylhydrolase 1b regulatory subunit 1; plus strand). Cytogenetic location: 17p13.3.
Variant type: single nucleotide variant.
Coding change: c.1111C>T on transcript NM_000430.4 (MANE Select); coding-DNA position 1111, C replaced by T.
Protein change: p.Arg371Ter; replaces arginine 371 with a stop codon.
Molecular consequence: nonsense.
Genome position (GRCh38, 1-based): chr17:2,680,272, C>T. VCF-style: chr17-2680272-C-T. GRCh37 (hg19) VCF-style: chr17-2583566-C-T.
Other names: short protein forms R371*.
Identifiers: ClinVar variation 159494 (VCV000159494.9), dbSNP rs587784241, ClinGen allele CA272365.

ClinVar aggregate classification (germline): Pathogenic. Review status: criteria provided, multiple submitters, no conflicts (2 of 4 stars). 4 submissions from 4 submitters: Pathogenic (3). 1 of the submissions does not count toward it. Last evaluated 2025-12-21.

Conditions:
Lissencephaly. Also called: Lissencephaly spectrum disorders. Identifiers: Orphanet 48471, MedGen C0266463, MeSH D054082, MONDO:0018838, HP:0001339.
Lissencephaly due to LIS1 mutation (LIS1). Also called: PAFAH1B1-Associated Lissencephaly/Subcortical Band Heterotopia; PAFAH1B1-Related Lissencephaly/Subcortical Band Heterotopia; Isolated Lissencephaly Sequence. Identifiers: Orphanet 95232, MedGen C4749301, MONDO:0011830, OMIM 607432.
Neurodevelopmental delay. Identifiers: MedGen C4022738, HP:0012758.

Submissions (4):

Labcorp Genetics (formerly Invitae), Labcorp
Classification: Pathogenic. Last evaluated: 2025-12-21. Review status: criteria provided, single submitter. Criteria: Invitae Variant Classification Sherloc (09022015). Collection method: clinical testing. Allele origin: germline.
Comment: This sequence change creates a premature translational stop signal (p.Arg371*) in the PAFAH1B1 gene. It is expected to result in an absent or disrupted protein product. Loss-of-function variants in PAFAH1B1 are known to be pathogenic (PMID: 1671808, 11115846, 14581661). This variant is not present in population databases (gnomAD no frequency). This premature translational stop signal has been observed in individual(s) with lissencephaly (PMID: 29671837). ClinVar contains an entry for this variant (Variation ID: 159494). For these reasons, this variant has been classified as Pathogenic.

Genetic Services Laboratory, University of Chicago
Classification: Pathogenic for Lissencephaly 1. Last evaluated: 2013-02-08. Review status: criteria provided, single submitter. Criteria: ACMG Guidelines, 2007. Collection method: clinical testing. Allele origin: germline. Inheritance: Autosomal dominant inheritance. Affected: yes.

Centre de Biologie Pathologie Génétique, Centre Hospitalier Universitaire de Lille
Classification: Pathogenic for Neurodevelopmental delay. Review status: criteria provided, single submitter. Criteria: ACMG Guidelines, 2015. Collection method: clinical testing. Allele origin: de novo. Affected: yes.

University of Washington Center for Mendelian Genomics, University of Washington
Classification: Likely pathogenic for lissencephaly. Review status: no assertion criteria provided. Collection method: research. Allele origin: unknown. Affected: yes. Not counted in ClinVar's aggregate classification.

Literature cited by the submitters: PubMed 1671808 (cited by Labcorp Genetics (formerly Invitae), Labcorp); PubMed 11115846 (cited by Labcorp Genetics (formerly Invitae), Labcorp); PubMed 14581661 (cited by Labcorp Genetics (formerly Invitae), Labcorp); PubMed 29671837 (cited by Labcorp Genetics (formerly Invitae), Labcorp and University of Washington Center for Mendelian Genomics, University of Washington).